The following is an entry in ClinVar:

NM_003114.5(SPAG1):c.2513C>T (p.Pro838Leu)

Gene: SPAG1 (sperm associated antigen 1; plus strand). Cytogenetic location: 8q22.2.
Variant type: single nucleotide variant.
Coding change: c.2513C>T on transcript NM_003114.5 (MANE Select); coding-DNA position 2513, C replaced by T.
Protein change: p.Pro838Leu; replaces proline 838 with leucine.
Molecular consequence: missense variant.
Genome position (GRCh38, 1-based): chr8:100,240,635, C>T. VCF-style: chr8-100240635-C-T. GRCh37 (hg19) VCF-style: chr8-101252863-C-T.
Other names: c.2513C>T, p.Pro838Leu (NM_001374321.1, NM_172218.3); c.2513C>T (NM_172218.2); short protein forms P838L.
Identifiers: ClinVar variation 1036355 (VCV001036355.9), dbSNP rs767575038, ClinGen allele CA4827762.

ClinVar aggregate classification (germline): Uncertain significance. Review status: criteria provided, multiple submitters, no conflicts (2 of 4 stars). 2 submissions from 2 submitters: Uncertain significance (2). Last evaluated 2024-07-30.

Conditions:
Primary ciliary dyskinesia 28. Also called: CILIARY DYSKINESIA, PRIMARY, 28, WITH OR WITHOUT SITUS INVERSUS. Identifiers: Orphanet 244, MedGen C3809706, MONDO:0014216, OMIM 615505.
Primary ciliary dyskinesia. Also called: Ciliary dyskinesia. Identifiers: Orphanet 244, MedGen C0008780, MONDO:0016575, HP:0012265.

Allele frequency attached by ClinVar (database versions not stated): gnomAD exomes 0.00001 and 0.00002; gnomAD 0.00002; ExAC 0.00003; TOPMed 0.00003.
gnomAD v4.1: 13 of 1,613,858 alleles (0.00081%); highest among the groups gnomAD compares: African/African-American, 0.004%; no homozygotes.

Submissions (2):

Ambry Genetics
Classification: Uncertain significance for Primary ciliary dyskinesia. Last evaluated: 2024-07-30. Review status: criteria provided, single submitter. Criteria: Ambry Variant Classification Scheme 2023. Collection method: clinical testing. Allele origin: germline.

Labcorp Genetics (formerly Invitae), Labcorp
Classification: Uncertain significance for Primary ciliary dyskinesia 28. Last evaluated: 2023-08-10. Review status: criteria provided, single submitter. Criteria: Invitae Variant Classification Sherloc (09022015). Collection method: clinical testing. Allele origin: germline.
Comment: This sequence change replaces proline, which is neutral and non-polar, with leucine, which is neutral and non-polar, at codon 838 of the SPAG1 protein (p.Pro838Leu). In summary, the available evidence is currently insufficient to determine the role of this variant in disease. Therefore, it has been classified as a Variant of Uncertain Significance. Advanced modeling of protein sequence and biophysical properties (such as structural, functional, and spatial information, amino acid conservation, physicochemical variation, residue mobility, and thermodynamic stability) performed at Invitae indicates that this missense variant is expected to disrupt SPAG1 protein function. ClinVar contains an entry for this variant (Variation ID: 1036355). This variant has not been reported in the literature in individuals affected with SPAG1-related conditions. This variant is present in population databases (rs767575038, gnomAD 0.007%).